The following is an entry in ClinVar:

ClinVar aggregate classification (germline): Uncertain significance (1 of 4 stars; one submission).

Conditions:
Inborn genetic diseases. Identifiers: MedGen C0950123, MeSH D030342.

Submission:

Ambry Genetics
Classification: Uncertain significance for Inborn genetic diseases. Last evaluated: 2025-03-29. Review status: criteria provided, single submitter. Criteria: Ambry Variant Classification Scheme 2023. Collection method: clinical testing. Allele origin: germline.
Comment: The p.H173R variant (also known as c.518A>G), located in coding exon 5 of the RTEL1 gene, results from an A to G substitution at nucleotide position 518. The histidine at codon 173 is replaced by arginine, an amino acid with highly similar properties. This amino acid position is conserved. In addition, this alteration is predicted to be tolerated by in silico analysis. Based on the available evidence, the clinical significance of this variant remains unclear.

NM_001283009.2(RTEL1):c.518A>G (p.His173Arg)

Genes: RTEL1 (regulator of telomere elongation helicase 1; plus strand), RTEL1-TNFRSF6B (RTEL1-TNFRSF6B readthrough (NMD candidate); plus strand). Cytogenetic location: 20q13.33.
Variant type: single nucleotide variant.
Coding change: c.518A>G on transcript NM_001283009.2 (MANE Select); coding-DNA position 518, A replaced by G.
Protein change: p.His173Arg; replaces histidine 173 with arginine.
Molecular consequence: missense variant. On other transcripts: non-coding transcript variant (1), 5 prime UTR variant (1).
Genome position (GRCh38, 1-based): chr20:63,662,869, A>G. VCF-style: chr20-63662869-A-G. GRCh37 (hg19) VCF-style: chr20-62294222-A-G.
Other names: c.-152A>G (NM_001283010.1); c.518A>G, p.His173Arg (NM_016434.4); c.590A>G, p.His197Arg (NM_032957.5); short protein forms H173R, H197R.
Identifiers: ClinVar variation 3948271 (VCV003948271.1).